The following is an entry in ClinVar:

ClinVar aggregate classification (germline): Likely benign. Review status: criteria provided, multiple submitters, no conflicts (2 of 4 stars). 2 submissions from 2 submitters: Likely benign (2). Last evaluated 2026-02-01.

Allele frequency attached by ClinVar (database versions not stated): 1000 Genomes Project 0.00020; 1000 Genomes Project 30x 0.00031; gnomAD exomes 0.00003; gnomAD 0.00005; ExAC 0.00007; TOPMed 0.00008; ESP Exome Variant Server 0.00015.
gnomAD v4.1: 48 of 1,614,054 alleles (0.003%); highest among the groups gnomAD compares: Admixed American, 0.012%; no homozygotes.

Submissions (2):

CeGaT Center for Human Genetics Tuebingen
Classification: Likely benign. Last evaluated: 2026-02-01. Review status: criteria provided, single submitter. Criteria: CeGaT Center For Human Genetics Tuebingen Variant Classification Criteria Version 2. Collection method: clinical testing. Allele origin: germline. Affected: yes. Observed: 1 variant allele.
Comment: TRRAP: BP4, BP7

Labcorp Genetics (formerly Invitae), Labcorp
Classification: Likely benign. Last evaluated: 2025-12-16. Review status: criteria provided, single submitter. Criteria: Invitae Variant Classification Sherloc (09022015). Collection method: clinical testing. Allele origin: germline.

NM_001375524.1(TRRAP):c.9645C>T (p.Val3215=)

Gene: TRRAP (transformation/transcription domain associated protein; plus strand). Cytogenetic location: 7q22.1.
Variant type: single nucleotide variant.
Coding change: c.9645C>T on transcript NM_001375524.1 (MANE Select); coding-DNA position 9645, C replaced by T.
Protein change: p.Val3215=; no amino-acid change (valine 3215 retained).
Molecular consequence: synonymous variant.
Genome position (GRCh38, 1-based): chr7:98,990,508, C>T. VCF-style: chr7-98990508-C-T. GRCh37 (hg19) VCF-style: chr7-98588131-C-T.
Other names: c.9657C>T, p.Val3219= (NM_001244580.2); c.9570C>T, p.Val3190= (NM_003496.4).
Identifiers: ClinVar variation 2072644 (VCV002072644.8), dbSNP rs372551021, ClinGen allele CA4361776.
Genomic context (GRCh38, chr7:98,990,508, plus strand): 5'-GTCTCAGGTGCTGTGGCTTTTGAGTTTTGATGATGACAAAAACACTTTGGCAGATGCCGT[C>T]GACAAGTACTGCATTGGTGTGCCACCCATCCAGTGGCTGGCCTGGATCCCACAGCTGCTC-3'
Protein context (NP_001362453.1, residues 3205-3225): DDDKNTLADA[Val3215=]DKYCIGVPPI